The following is an entry in ClinVar:

ClinVar aggregate classification (germline): Likely benign (1 of 4 stars; one submission).

Allele frequency attached by ClinVar (database versions not stated): gnomAD exomes below 0.00001.
gnomAD v4.1: 1 of 1,613,634 alleles (0.000062%); highest among the groups gnomAD compares: Non-Finnish European, 0.000085%; no homozygotes.

Submission:

GeneDx
Classification: Likely benign. Last evaluated: 2017-04-11. Review status: criteria provided, single submitter. Criteria: GeneDx Variant Classification (06012015). Collection method: clinical testing. Allele origin: germline. Affected: yes.
Comment: This variant is considered likely benign or benign based on one or more of the following criteria: it is a conservative change, it occurs at a poorly conserved position in the protein, it is predicted to be benign by multiple in silico algorithms, and/or has population frequency not consistent with disease.

NM_001876.4(CPT1A):c.1740+15C>T

Gene: CPT1A (carnitine palmitoyltransferase 1A; minus strand). Cytogenetic location: 11q13.3.
Variant type: single nucleotide variant.
Coding change: c.1740+15C>T on transcript NM_001876.4 (MANE Select); 15 bases into the intron after coding-DNA position 1740, C replaced by T.
Molecular consequence: intron variant.
Genome position (GRCh38, 1-based): chr11:68,773,250, G>A on the plus strand (C>T on the coding strand, the complement: CPT1A is on the minus strand). VCF-style: chr11-68773250-G-A. GRCh37 (hg19) VCF-style: chr11-68540718-G-A.
Other names: c.1740+15C>T (NM_001031847.3).
Identifiers: ClinVar variation 508385 (VCV000508385.1), dbSNP rs1363762969, ClinGen allele CA600239636.